The following is an entry in ClinVar:

NM_001605.3(AARS1):c.1790G>T (p.Arg597Leu)

Gene: AARS1 (alanyl-tRNA synthetase 1; minus strand). Cytogenetic location: 16q22.1.
Variant type: single nucleotide variant.
Coding change: c.1790G>T on transcript NM_001605.3 (MANE Select); coding-DNA position 1790, G replaced by T.
Protein change: p.Arg597Leu; replaces arginine 597 with leucine.
Molecular consequence: missense variant.
Genome position (GRCh38, 1-based): chr16:70,259,182, C>A on the plus strand (G>T on the coding strand, the complement: AARS1 is on the minus strand). VCF-style: chr16-70259182-C-A. GRCh37 (hg19) VCF-style: chr16-70293085-C-A.
Other names: c.1790G>T (NM_001605.2); short protein forms R597L.
Identifiers: ClinVar variation 1682196 (VCV001682196.7), dbSNP rs777597230, ClinGen allele CA396558438.

ClinVar aggregate classification (germline): Uncertain significance. Review status: criteria provided, multiple submitters, no conflicts (2 of 4 stars). 2 submissions from 2 submitters: Uncertain significance (2). Last evaluated 2023-03-07.

Conditions:
Charcot-Marie-Tooth disease type 2. Also called: Charcot-Marie-Tooth type 2. Identifiers: Orphanet 64746, MedGen C0270914, MONDO:0018993.

gnomAD v4.1: 2 of 1,613,904 alleles (0.00012%); highest among the groups gnomAD compares: Non-Finnish European, 0.00017%; no homozygotes.

Submissions (2):

GeneDx
Classification: Uncertain significance. Last evaluated: 2023-03-07. Review status: criteria provided, single submitter. Criteria: GeneDx Variant Classification Process June 2021. Collection method: clinical testing. Allele origin: germline. Affected: yes.
Comment: Not observed at significant frequency in large population cohorts (gnomAD); In silico analysis supports that this missense variant has a deleterious effect on protein structure/function; Has not been previously published as pathogenic or benign to our knowledge

Labcorp Genetics (formerly Invitae), Labcorp
Classification: Uncertain significance for Charcot-Marie-Tooth disease type 2. Last evaluated: 2021-06-01. Review status: criteria provided, single submitter. Criteria: Invitae Variant Classification Sherloc (09022015). Collection method: clinical testing. Allele origin: germline.
Comment: In summary, the available evidence is currently insufficient to determine the role of this variant in disease. Therefore, it has been classified as a Variant of Uncertain Significance. Algorithms developed to predict the effect of missense changes on protein structure and function are either unavailable or do not agree on the potential impact of this missense change (SIFT: "Deleterious"; PolyPhen-2: "Possibly Damaging"; Align-GVGD: "Class C0"). This variant has not been reported in the literature in individuals with AARS-related conditions. This variant is not present in population databases (ExAC no frequency). This sequence change replaces arginine with leucine at codon 597 of the AARS protein (p.Arg597Leu). The arginine residue is highly conserved and there is a moderate physicochemical difference between arginine and leucine.